The following is an entry in ClinVar:

ClinVar aggregate classification (germline): Uncertain significance. Review status: criteria provided, multiple submitters, no conflicts (2 of 4 stars). 2 submissions from 2 submitters: Uncertain significance (2). Last evaluated 2025-08-19.

Conditions:
Hereditary pancreatitis (PCTT). Also called: PRSS1-Related Hereditary Pancreatitis; Hereditary chronic pancreatitis. Identifiers: Orphanet 676, MedGen C0238339, MONDO:0008185, OMIM 167800.

Allele frequency attached by ClinVar (database versions not stated): gnomAD 0.00001; TOPMed 0.00005.
gnomAD v4.1: 28 of 1,614,102 alleles (0.0017%); highest among the groups gnomAD compares: Admixed American, 0.047%; no homozygotes.

Submissions (2):

Ambry Genetics
Classification: Uncertain significance for Hereditary pancreatitis. Last evaluated: 2025-08-19. Review status: criteria provided, single submitter. Criteria: Ambry Variant Classification Scheme 2023. Collection method: clinical testing. Allele origin: germline.
Comment: The p.G149A variant (also known as c.446G>C), located in coding exon 4 of the CPA1 gene, results from a G to C substitution at nucleotide position 446. The glycine at codon 149 is replaced by alanine, an amino acid with similar properties. This amino acid position is highly conserved in available vertebrate species. In addition, this alteration is predicted to be deleterious by in silico analysis. Since supporting evidence is limited at this time, the clinical significance of this alteration remains unclear.

Labcorp Genetics (formerly Invitae), Labcorp
Classification: Uncertain significance. Last evaluated: 2023-07-17. Review status: criteria provided, single submitter. Criteria: Invitae Variant Classification Sherloc (09022015). Collection method: clinical testing. Allele origin: germline.
Comment: In summary, the available evidence is currently insufficient to determine the role of this variant in disease. Therefore, it has been classified as a Variant of Uncertain Significance. Advanced modeling of protein sequence and biophysical properties (such as structural, functional, and spatial information, amino acid conservation, physicochemical variation, residue mobility, and thermodynamic stability) performed at Invitae indicates that this missense variant is not expected to disrupt CPA1 protein function. ClinVar contains an entry for this variant (Variation ID: 1460772). This variant has not been reported in the literature in individuals affected with CPA1-related conditions. This variant is present in population databases (rs782168130, gnomAD 0.07%), and has an allele count higher than expected for a pathogenic variant. This sequence change replaces glycine, which is neutral and non-polar, with alanine, which is neutral and non-polar, at codon 149 of the CPA1 protein (p.Gly149Ala).

NM_001868.4(CPA1):c.446G>C (p.Gly149Ala)

Gene: CPA1 (carboxypeptidase A1; plus strand). Cytogenetic location: 7q32.2.
Variant type: single nucleotide variant.
Coding change: c.446G>C on transcript NM_001868.4 (MANE Select); coding-DNA position 446, G replaced by C.
Protein change: p.Gly149Ala; replaces glycine 149 with alanine.
Molecular consequence: missense variant.
Genome position (GRCh38, 1-based): chr7:130,382,172, G>C. VCF-style: chr7-130382172-G-C. GRCh37 (hg19) VCF-style: chr7-130022013-G-C.
Other names: c.446G>C (NM_001868.2); short protein forms G149A.
Identifiers: ClinVar variation 1460772 (VCV001460772.8), dbSNP rs782168130, ClinGen allele CA4484800.